The following is an entry in ClinVar:

ClinVar aggregate classification (germline): Uncertain significance. Review status: criteria provided, multiple submitters, no conflicts (2 of 4 stars). 2 submissions from 2 submitters: Uncertain significance (2). Last evaluated 2026-03-26.

Conditions:
MMP1-related disorder. Also called: MMP1-related condition.

Allele frequency attached by ClinVar (database versions not stated): gnomAD 0.00015; ESP Exome Variant Server 0.00031.
gnomAD v4.1: 202 of 1,614,086 alleles (0.013%); highest among the groups gnomAD compares: Non-Finnish European, 0.0067%; no homozygotes.

Submissions (2):

PreventionGenetics, part of Exact Sciences
Classification: Uncertain significance for MMP1-related condition. Last evaluated: 2026-03-26. Review status: criteria provided, single submitter. Criteria: ACMG Guidelines, 2015. Collection method: clinical testing. Allele origin: germline.
Comment: The MMP1 c.308C>T variant is predicted to result in the amino acid substitution p.Thr103Ile. To our knowledge, this variant has not been reported in the literature. This variant is reported in 0.30% of alleles in individuals of Ashkenazi Jewish descent in gnomAD. At this time, the clinical significance of this variant is uncertain due to the absence of conclusive functional and genetic evidence.

Ambry Genetics
Classification: Uncertain significance. Last evaluated: 2023-09-12. Review status: criteria provided, single submitter. Criteria: Ambry Variant Classification Scheme 2023. Collection method: clinical testing. Allele origin: germline.

NM_002421.4(MMP1):c.308C>T (p.Thr103Ile)

Gene: MMP1 (matrix metallopeptidase 1; minus strand). Cytogenetic location: 11q22.2.
Variant type: single nucleotide variant.
Coding change: c.308C>T on transcript NM_002421.4 (MANE Select); coding-DNA position 308, C replaced by T.
Protein change: p.Thr103Ile; replaces threonine 103 with isoleucine.
Molecular consequence: missense variant.
Genome position (GRCh38, 1-based): chr11:102,797,298, G>A on the plus strand (C>T on the coding strand, the complement: MMP1 is on the minus strand). VCF-style: chr11-102797298-G-A. GRCh37 (hg19) VCF-style: chr11-102668029-G-A.
Other names: c.110C>T, p.Thr37Ile (NM_001145938.2); short protein forms T37I, T103I.
Identifiers: ClinVar variation 2596787 (VCV002596787.3), dbSNP rs146887036, ClinGen allele CA6250695.